The following is an entry in ClinVar:

ClinVar aggregate classification (germline): Uncertain significance (1 of 4 stars; one submission).

Submission:

Mayo Clinic Laboratories, Mayo Clinic
Classification: Uncertain significance. Last evaluated: 2023-08-10. Review status: criteria provided, single submitter. Criteria: ACMG Guidelines, 2015. Collection method: clinical testing. Allele origin: germline. Observed: 1 variant allele.
Comment: BP4, PM2_moderate

NM_181882.3(PRX):c.1120G>C (p.Glu374Gln)

Gene: PRX (periaxin; minus strand). Cytogenetic location: 19q13.2.
Variant type: single nucleotide variant.
Coding change: c.1120G>C on transcript NM_181882.3 (MANE Select); coding-DNA position 1120, G replaced by C.
Protein change: p.Glu374Gln; replaces glutamic acid 374 with glutamine.
Molecular consequence: missense variant. On other transcripts: 3 prime UTR variant (1).
Genome position (GRCh38, 1-based): chr19:40,397,232, C>G on the plus strand (G>C on the coding strand, the complement: PRX is on the minus strand). VCF-style: chr19-40397232-C-G. GRCh37 (hg19) VCF-style: chr19-40903139-C-G.
Other names: p.Glu374Gln; c.1405G>C, p.Glu469Gln (NM_001411127.1); c.*1325G>C (NM_020956.2); short protein forms E374Q, E469Q.
Identifiers: ClinVar variation 3380621 (VCV003380621.1).
Genomic context (GRCh38, chr19:40,397,232, plus strand): 5'-GCATTCGAAGTCTGGGACCTTTCACCCTGGCCTCAGGGCTGACCTTGGCTACCTTGGCCT[C>G]AGCAACTTCCTTTGCTCGAGCCCCAAATCGGGGAAAACTAAGGCGGGGCATCTTCAGGGC-3'
Protein context (NP_870998.2, residues 364-384): RFGARAKEVA[Glu374Gln]AKVAKVSPEA